The following is an entry in ClinVar:

NM_001365276.2(TNXB):c.991G>A (p.Gly331Ser)

Gene: TNXB (tenascin XB; minus strand). Cytogenetic location: 6p21.33.
Variant type: single nucleotide variant.
Coding change: c.991G>A on transcript NM_001365276.2 (MANE Select); coding-DNA position 991, G replaced by A.
Protein change: p.Gly331Ser; replaces glycine 331 with serine.
Molecular consequence: missense variant.
Genome position (GRCh38, 1-based): chr6:32,096,862, C>T on the plus strand (G>A on the coding strand, the complement: TNXB is on the minus strand). VCF-style: chr6-32096862-C-T. GRCh37 (hg19) VCF-style: chr6-32064639-C-T.
Other names: c.991G>A, p.Gly331Ser (NM_001428335.1, NM_019105.8); short protein forms G331S.
Identifiers: ClinVar variation 3227373 (VCV003227373.2), dbSNP rs1416077635, ClinGen allele CA363484363.

ClinVar aggregate classification (germline): Uncertain significance. Review status: criteria provided, multiple submitters, no conflicts (2 of 4 stars). 2 submissions from 2 submitters: Uncertain significance (2). Last evaluated 2024-08-12.

Conditions:
Cardiovascular phenotype. Identifiers: MedGen CN230736.

Allele frequency attached by ClinVar (database versions not stated): gnomAD 0.00001; gnomAD exomes 0.00001; TOPMed 0.00001.
gnomAD v4.1: 11 of 1,607,690 alleles (0.00068%); highest among the groups gnomAD compares: African/African-American, 0.008%; no homozygotes.

Submissions (2):

GeneDx
Classification: Uncertain significance. Last evaluated: 2024-08-12. Review status: criteria provided, single submitter. Criteria: GeneDx Variant Classification Process June 2021. Collection method: clinical testing. Allele origin: germline. Affected: yes.
Comment: Not observed at significant frequency in large population cohorts (gnomAD); In silico analysis supports that this missense variant has a deleterious effect on protein structure/function; Has not been previously published as pathogenic or benign to our knowledge

Ambry Genetics
Classification: Uncertain significance for Cardiovascular phenotype. Last evaluated: 2024-02-23. Review status: criteria provided, single submitter. Criteria: Ambry Variant Classification Scheme 2023. Collection method: clinical testing. Allele origin: germline.
Comment: The p.G331S variant (also known as c.991G>A), located in coding exon 2 of the TNXB gene, results from a G to A substitution at nucleotide position 991. The glycine at codon 331 is replaced by serine, an amino acid with similar properties. This amino acid position is conserved. In addition, this alteration is predicted to be deleterious by in silico analysis. Based on the available evidence, the clinical significance of this alteration remains unclear.